The following is an entry in ClinVar:

ClinVar aggregate classification (germline): Uncertain significance (1 of 4 stars; one submission).

Submission:

Labcorp Genetics (formerly Invitae), Labcorp
Classification: Uncertain significance. Last evaluated: 2025-03-17. Review status: criteria provided, single submitter. Criteria: Invitae Variant Classification Sherloc (09022015). Collection method: clinical testing. Allele origin: germline.
Comment: This sequence change replaces proline, which is neutral and non-polar, with threonine, which is neutral and polar, at codon 1414 of the APC2 protein (p.Pro1414Thr). This variant is not present in population databases (gnomAD no frequency). This variant has not been reported in the literature in individuals affected with APC2-related conditions. ClinVar contains an entry for this variant (Variation ID: 2008383). Invitae Evidence Modeling of protein sequence and biophysical properties (such as structural, functional, and spatial information, amino acid conservation, physicochemical variation, residue mobility, and thermodynamic stability) has been performed for this missense variant. However, the output from this modeling did not meet the statistical confidence thresholds required to predict the impact of this variant on APC2 protein function. In summary, the available evidence is currently insufficient to determine the role of this variant in disease. Therefore, it has been classified as a Variant of Uncertain Significance.

NM_005883.3(APC2):c.4240C>A (p.Pro1414Thr)

Gene: APC2 (APC regulator of Wnt signaling pathway 2; plus strand). Cytogenetic location: 19p13.3.
Variant type: single nucleotide variant.
Coding change: c.4240C>A on transcript NM_005883.3 (MANE Select); coding-DNA position 4240, C replaced by A.
Protein change: p.Pro1414Thr; replaces proline 1414 with threonine.
Molecular consequence: missense variant.
Genome position (GRCh38, 1-based): chr19:1,467,541, C>A. VCF-style: chr19-1467541-C-A. GRCh37 (hg19) VCF-style: chr19-1467540-C-A.
Other names: c.4237C>A, p.Pro1413Thr (NM_001351273.1); short protein forms P1414T, P1413T.
Identifiers: ClinVar variation 2008383 (VCV002008383.4), dbSNP rs2512530206, ClinGen allele CA403035004.